The following is an entry in ClinVar:

ClinVar aggregate classification (germline): Benign. Review status: criteria provided, multiple submitters, no conflicts (2 of 4 stars). 3 submissions from 3 submitters: Benign (3). Last evaluated 2024-07-15.

Allele frequency attached by ClinVar (database versions not stated): gnomAD 0.58067 and 0.58477; 1000 Genomes Project 30x 0.56449; TOPMed 0.56851; 1000 Genomes Project 0.57188.
gnomAD v4.1: 969,974 of 1,511,746 alleles (64%); highest among the groups gnomAD compares: East Asian, 77%; 316,454 homozygotes.

Submissions (4):

Unidad de Genómica Garrahan, Hospital de Pediatría Garrahan
Classification: Benign. Last evaluated: 2024-07-15. Review status: criteria provided, single submitter. Criteria: ACMG Guidelines, 2015. Collection method: clinical testing. Allele origin: germline. Affected: no. Observed: 77 variant alleles.
Comment: This variant is classified as Benign based on local population frequency. This variant was detected in 83% of patients studied in a panel designed for Epileptic and Developmental Encephalopathy and Progressive Myoclonus Epilepsy. Number of patients: 77. Only high quality variants are reported.

GeneDx
Classification: Benign. Last evaluated: 2021-03-08. Review status: criteria provided, single submitter. Criteria: GeneDx Variant Classification Process June 2021. Collection method: clinical testing. Allele origin: germline. Affected: yes.

Breakthrough Genomics
Classification: Benign. Review status: criteria provided, single submitter. Criteria: ACMG Guidelines, 2015. Collection method: not provided. Allele origin: germline. Inheritance: Autosomal recessive inheritance. Affected: yes.

Dr. Peter K. Rogan Lab, Western University
No classification provided (evidence only). Condition: Hepatocellular carcinoma. Review status: no classification provided. Collection method: in vitro. Allele origin: not applicable. Functional consequence: retained intron. Not counted in ClinVar's aggregate classification.

NM_001367561.1(DOCK7):c.732+58A>G

Gene: DOCK7 (dedicator of cytokinesis 7; minus strand). Cytogenetic location: 1p31.3.
Variant type: single nucleotide variant.
Coding change: c.732+58A>G on transcript NM_001367561.1 (MANE Select); 58 bases into the intron after coding-DNA position 732, A replaced by G.
Molecular consequence: intron variant.
Genome position (GRCh38, 1-based): chr1:62,648,048, T>C on the plus strand (A>G on the coding strand, the complement: DOCK7 is on the minus strand). VCF-style: chr1-62648048-T-C. GRCh37 (hg19) VCF-style: chr1-63113719-T-C.
Other names: NC_000001.10:g.63113719T>C; c.732+58A>G (NM_001272001.2, NM_001272000.2, NM_033407.4 and 3 more transcripts).
Identifiers: ClinVar variation 1178481 (VCV001178481.6), dbSNP rs1168089, ClinGen allele CA23789984.